The following is an entry in ClinVar:

NM_025114.4(CEP290):c.3860C>T (p.Ser1287Phe)

Gene: CEP290 (centrosomal protein 290; minus strand). Cytogenetic location: 12q21.32.
Variant type: single nucleotide variant.
Coding change: c.3860C>T on transcript NM_025114.4 (MANE Select); coding-DNA position 3860, C replaced by T.
Protein change: p.Ser1287Phe; replaces serine 1287 with phenylalanine.
Molecular consequence: missense variant.
Genome position (GRCh38, 1-based): chr12:88,089,201, G>A on the plus strand (C>T on the coding strand, the complement: CEP290 is on the minus strand). VCF-style: chr12-88089201-G-A. GRCh37 (hg19) VCF-style: chr12-88482978-G-A.
Other names: short protein forms S1287F.
Identifiers: ClinVar variation 2416469 (VCV002416469.5), dbSNP rs1328822477, ClinGen allele CA386000551.
Genomic context (GRCh38, chr12:88,089,201, plus strand): 5'-GAATTTTTCATTTCTTGCATTATCTTAAGTTTGTCATTTTGTAGTTGAATCATTGTTTTG[G>A]AGAACTTTTCCTGTTGTGCCAAGGGTAAAGCTCCACTAAACTGTCGTCGTAGAGACTGAA-3'
Protein context (NP_079390.3, residues 1277-1297): ALPLAQQEKF[Ser1287Phe]KTMIQLQNDK

ClinVar aggregate classification (germline): Uncertain significance (1 of 4 stars; one submission).

Conditions:
Joubert syndrome. Also called: CEREBELLOPARENCHYMAL DISORDER IV; JOUBERT-BOLTSHAUSER SYNDROME; Familial aplasia of the vermis. Identifiers: Orphanet 475, MedGen C5979921, MONDO:0018772.
Nephronophthisis. Also called: Juvenile Nephronophthisis. Identifiers: Orphanet 655, MedGen C0687120, MONDO:0019005, HP:0000090.
Meckel-Gruber syndrome. Also called: DYSENCEPHALIA SPLANCHNOCYSTICA; GRUBER SYNDROME; Dysencephalia splachnocystica. Identifiers: Orphanet 564, MedGen C0265215, MONDO:0018921.

Allele frequency attached by ClinVar (database versions not stated): gnomAD exomes below 0.00001; TOPMed 0.00001.
gnomAD v4.1: 2 of 1,612,354 alleles (0.00012%); highest among the groups gnomAD compares: East Asian, 0.0045%; no homozygotes.

Submission:

Labcorp Genetics (formerly Invitae), Labcorp
Classification: Uncertain significance for Joubert syndrome; Meckel-Gruber syndrome; Nephronophthisis. Last evaluated: 2022-10-31. Review status: criteria provided, single submitter. Criteria: Invitae Variant Classification Sherloc (09022015). Collection method: clinical testing. Allele origin: germline.
Comment: This sequence change replaces serine, which is neutral and polar, with phenylalanine, which is neutral and non-polar, at codon 1287 of the CEP290 protein (p.Ser1287Phe). This variant is present in population databases (no rsID available, gnomAD 0.006%). This variant has not been reported in the literature in individuals affected with CEP290-related conditions. Advanced modeling of protein sequence and biophysical properties (such as structural, functional, and spatial information, amino acid conservation, physicochemical variation, residue mobility, and thermodynamic stability) performed at Invitae indicates that this missense variant is expected to disrupt CEP290 protein function. In summary, the available evidence is currently insufficient to determine the role of this variant in disease. Therefore, it has been classified as a Variant of Uncertain Significance.